The following is an entry in ClinVar:

ClinVar aggregate classification (germline): Likely benign (1 of 4 stars; one submission).

Allele frequency attached by ClinVar (database versions not stated): ExAC 0.00001; gnomAD 0.00001; gnomAD exomes 0.00001.
gnomAD v4.1: 28 of 1,613,948 alleles (0.0017%); highest among the groups gnomAD compares: Middle Eastern, 0.016%; no homozygotes.

Submission:

CeGaT Center for Human Genetics Tuebingen
Classification: Likely benign. Last evaluated: 2022-05-01. Review status: criteria provided, single submitter. Criteria: CeGaT Center For Human Genetics Tuebingen Variant Classification Criteria Version 2. Collection method: clinical testing. Allele origin: germline. Affected: yes. Observed: 1 variant allele.
Comment: SETD1A: BP4, BP7

NM_014712.3(SETD1A):c.453G>A (p.Thr151=)

Gene: SETD1A (SET domain containing 1A, histone lysine methyltransferase; plus strand). Cytogenetic location: 16p11.2.
Variant type: single nucleotide variant.
Coding change: c.453G>A on transcript NM_014712.3 (MANE Select); coding-DNA position 453, G replaced by A.
Protein change: p.Thr151=; no amino-acid change (threonine 151 retained).
Molecular consequence: synonymous variant.
Genome position (GRCh38, 1-based): chr16:30,961,473, G>A. VCF-style: chr16-30961473-G-A. GRCh37 (hg19) VCF-style: chr16-30972794-G-A.
Identifiers: ClinVar variation 2646420 (VCV002646420.24), dbSNP rs752282636, ClinGen allele CA8016384.